The following is an entry in ClinVar:

ClinVar aggregate classification (germline): Likely benign (1 of 4 stars; one submission).

Allele frequency attached by ClinVar (database versions not stated): 1000 Genomes Project 0.01478; 1000 Genomes Project 30x 0.01640; ESP Exome Variant Server 0.01349; gnomAD 0.01443; TOPMed 0.01549.
gnomAD v4.1: 4,068 of 1,605,880 alleles (0.25%); highest among the groups gnomAD compares: African/African-American, 4.8%; 87 homozygotes.

Submission:

GeneDx
Classification: Likely benign. Last evaluated: 2018-06-16. Review status: criteria provided, single submitter. Criteria: GeneDx Variant Classification (06012015). Collection method: clinical testing. Allele origin: germline. Affected: yes.
Comment: This variant is considered likely benign or benign based on one or more of the following criteria: it is a conservative change, it occurs at a poorly conserved position in the protein, it is predicted to be benign by multiple in silico algorithms, and/or has population frequency not consistent with disease.

NM_006846.4(SPINK5):c.410+37G>T

Gene: SPINK5 (serine peptidase inhibitor Kazal type 5; plus strand). Cytogenetic location: 5q32.
Variant type: single nucleotide variant.
Coding change: c.410+37G>T on transcript NM_006846.4 (MANE Select); 37 bases into the intron after coding-DNA position 410, G replaced by T.
Molecular consequence: intron variant.
Genome position (GRCh38, 1-based): chr5:148,086,569, G>T. VCF-style: chr5-148086569-G-T. GRCh37 (hg19) VCF-style: chr5-147466132-G-T.
Other names: c.410+37G>T (NM_001127698.2, NM_001127699.2).
Identifiers: ClinVar variation 676601 (VCV000676601.1), dbSNP rs73269187, ClinGen allele CA3495201.
Genomic context (GRCh38, chr5:148,086,569, plus strand): 5'-ATGTGCACTGTGTGCTGAGAATGCGTGAGTATTCTCTGAAGTAGGCTTTCTCCCTAAAAC[G>T]TGTTCTCTCTATAATTACATGACACAATTTTCCCTACAGTCTTTAAGCTAACGATTCATT-3'